The following is an entry in ClinVar:

ClinVar aggregate classification (germline): Uncertain significance. Review status: criteria provided, multiple submitters, no conflicts (2 of 4 stars). 2 submissions from 2 submitters: Uncertain significance (2). Last evaluated 2025-04-14.

Submissions (2):

GeneDx
Classification: Uncertain significance. Last evaluated: 2025-04-14. Review status: criteria provided, single submitter. Criteria: GeneDx Variant Classification Process June 2021. Collection method: clinical testing. Allele origin: germline. Affected: yes.
Comment: Not observed at significant frequency in large population cohorts (gnomAD); In silico analysis supports that this missense variant has a deleterious effect on protein structure/function; Has not been previously published as pathogenic or benign to our knowledge

Blueprint Genetics
Classification: Uncertain significance. Last evaluated: 2022-04-25. Review status: criteria provided, single submitter. Criteria: ACMG Guidelines, 2015. Collection method: clinical testing. Allele origin: germline.

NM_021830.5(TWNK):c.545T>A (p.Leu182His)

Gene: TWNK (twinkle mtDNA helicase; plus strand). Cytogenetic location: 10q24.31.
Variant type: single nucleotide variant.
Coding change: c.545T>A on transcript NM_021830.5 (MANE Select); coding-DNA position 545, T replaced by A.
Protein change: p.Leu182His; replaces leucine 182 with histidine.
Molecular consequence: missense variant. On other transcripts: non-coding transcript variant (4), intron variant (3).
Genome position (GRCh38, 1-based): chr10:100,988,755, T>A. VCF-style: chr10-100988755-T-A. GRCh37 (hg19) VCF-style: chr10-102748512-T-A.
Other names: c.545T>A, p.Leu182His (NM_001163812.2); c.-119-889T>A (NM_001163814.2, NM_001163813.2); c.-57-951T>A (NM_001368275.1); short protein forms L182H.
Identifiers: ClinVar variation 4281753 (VCV004281753.2).
Genomic context (GRCh38, chr10:100,988,755, plus strand): 5'-TACCTCTCTGGGAGCTGCCTGATCAGGAGGAGGTTCAGCTGGCTGATACAATGTTTGGCC[T>A]TACCAAGGTTACAGATGACACACTCAAGCGTTTCAGTGTGCGATATCTGCGACCTGCTCG-3'
Protein context (NP_068602.2, residues 172-192): EVQLADTMFG[Leu182His]TKVTDDTLKR